The following is an entry in ClinVar:

NM_002439.5(MSH3):c.2633T>A (p.Val878Asp)

Gene: MSH3 (mutS homolog 3; plus strand). Cytogenetic location: 5q14.1.
Variant type: single nucleotide variant.
Coding change: c.2633T>A on transcript NM_002439.5 (MANE Select); coding-DNA position 2633, T replaced by A.
Protein change: p.Val878Asp; replaces valine 878 with aspartic acid.
Molecular consequence: missense variant.
Genome position (GRCh38, 1-based): chr5:80,792,822, T>A. VCF-style: chr5-80792822-T-A. GRCh37 (hg19) VCF-style: chr5-80088641-T-A.
Other names: c.2633T>A (NM_002439.3); short protein forms V878D.
Identifiers: ClinVar variation 2693385 (VCV002693385.4), dbSNP rs1744631770, ClinGen allele CA360273022.

ClinVar aggregate classification (germline): Uncertain significance. Review status: criteria provided, multiple submitters, no conflicts (2 of 4 stars). 2 submissions from 2 submitters: Uncertain significance (2). Last evaluated 2024-11-24.

Conditions:
Hereditary cancer-predisposing syndrome. Also called: Neoplastic Syndromes, Hereditary; Hereditary Cancer Syndrome; Tumor predisposition; Hereditary neoplastic syndrome. Identifiers: Orphanet 140162, MedGen C0027672, MeSH D009386, MONDO:0015356.

Allele frequency attached by ClinVar (database versions not stated): gnomAD exomes below 0.00001; gnomAD 0.00001.
gnomAD v4.1: 2 of 1,610,532 alleles (0.00012%); highest among the groups gnomAD compares: African/African-American, 0.0027%; no homozygotes.

Submissions (2):

Ambry Genetics
Classification: Uncertain significance for Hereditary cancer-predisposing syndrome. Last evaluated: 2024-11-24. Review status: criteria provided, single submitter. Criteria: Ambry Variant Classification Scheme 2023. Collection method: clinical testing. Allele origin: germline.
Comment: The p.V878D variant (also known as c.2633T>A), located in coding exon 19 of the MSH3 gene, results from a T to A substitution at nucleotide position 2633. The valine at codon 878 is replaced by aspartic acid, an amino acid with highly dissimilar properties. This amino acid position is conserved. In addition, this alteration is predicted to be deleterious by in silico analysis. Based on the available evidence, the clinical significance of this variant remains unclear.

Labcorp Genetics (formerly Invitae), Labcorp
Classification: Uncertain significance. Last evaluated: 2023-11-05. Review status: criteria provided, single submitter. Criteria: Invitae Variant Classification Sherloc (09022015). Collection method: clinical testing. Allele origin: germline.
Comment: This sequence change replaces valine, which is neutral and non-polar, with aspartic acid, which is acidic and polar, at codon 878 of the MSH3 protein (p.Val878Asp). This variant is not present in population databases (gnomAD no frequency). This variant has not been reported in the literature in individuals affected with MSH3-related conditions. An algorithm developed to predict the effect of missense changes on protein structure and function (PolyPhen-2) suggests that this variant is likely to be disruptive. In summary, the available evidence is currently insufficient to determine the role of this variant in disease. Therefore, it has been classified as a Variant of Uncertain Significance.